The following is an entry in ClinVar:

ClinVar aggregate classification (germline): Uncertain significance (1 of 4 stars; one submission).

Allele frequency attached by ClinVar (database versions not stated): gnomAD exomes 0.00001 and 0.00002; ExAC 0.00002; gnomAD 0.00003; TOPMed 0.00004.
gnomAD v4.1: 11 of 1,611,522 alleles (0.00068%); highest among the groups gnomAD compares: African/African-American, 0.0094%; no homozygotes.

Submission:

Labcorp Genetics (formerly Invitae), Labcorp
Classification: Uncertain significance. Last evaluated: 2022-08-23. Review status: criteria provided, single submitter. Criteria: Invitae Variant Classification Sherloc (09022015). Collection method: clinical testing. Allele origin: germline.
Comment: In summary, the available evidence is currently insufficient to determine the role of this variant in disease. Therefore, it has been classified as a Variant of Uncertain Significance. Algorithms developed to predict the effect of missense changes on protein structure and function output the following: SIFT: "Tolerated"; PolyPhen-2: "Benign"; Align-GVGD: "Class C0". The valine amino acid residue is found in multiple mammalian species, which suggests that this missense change does not adversely affect protein function. ClinVar contains an entry for this variant (Variation ID: 1474411). This variant has not been reported in the literature in individuals affected with ADAM9-related conditions. This variant is present in population databases (rs770307880, gnomAD 0.01%). This sequence change replaces isoleucine, which is neutral and non-polar, with valine, which is neutral and non-polar, at codon 110 of the ADAM9 protein (p.Ile110Val).

NM_003816.3(ADAM9):c.328A>G (p.Ile110Val)

Gene: ADAM9 (ADAM metallopeptidase domain 9; plus strand). Cytogenetic location: 8p11.22.
Variant type: single nucleotide variant.
Coding change: c.328A>G on transcript NM_003816.3 (MANE Select); coding-DNA position 328, A replaced by G.
Protein change: p.Ile110Val; replaces isoleucine 110 with valine.
Molecular consequence: missense variant. On other transcripts: non-coding transcript variant (3).
Genome position (GRCh38, 1-based): chr8:39,014,038, A>G. VCF-style: chr8-39014038-A-G. GRCh37 (hg19) VCF-style: chr8-38871557-A-G.
Other names: short protein forms I110V.
Identifiers: ClinVar variation 1474411 (VCV001474411.7), dbSNP rs770307880, ClinGen allele CA4721284.